The following is an entry in ClinVar:

ClinVar aggregate classification (germline): Uncertain significance. Review status: criteria provided, multiple submitters, no conflicts (2 of 4 stars). 3 submissions from 3 submitters: Uncertain significance (3). Last evaluated 2024-04-12.

Conditions:
Hereditary cancer-predisposing syndrome. Also called: Hereditary Cancer Syndrome; Hereditary neoplastic syndrome; Tumor predisposition; Neoplastic Syndromes, Hereditary. Identifiers: Orphanet 140162, MedGen C0027672, MeSH D009386, MONDO:0015356.
DICER1-related tumor predisposition. Also called: DICER1 syndrome; DICER1-related pleuropulmonary blastoma cancer predisposition syndrome. Identifiers: Orphanet 284343, MedGen C3839822, MONDO:0100216.

Submissions (3):

Ambry Genetics
Classification: Uncertain significance for Hereditary cancer-predisposing syndrome. Last evaluated: 2024-04-12. Review status: criteria provided, single submitter. Criteria: Ambry Variant Classification Scheme 2023. Collection method: clinical testing. Allele origin: germline.
Comment: The p.A1578V variant (also known as c.4733C>T), located in coding exon 22 of the DICER1 gene, results from a C to T substitution at nucleotide position 4733. The alanine at codon 1578 is replaced by valine, an amino acid with similar properties. This amino acid position is highly conserved in available vertebrate species. In addition, this alteration is predicted to be deleterious by in silico analysis. Based on the available evidence, the clinical significance of this variant remains unclear.

Labcorp Genetics (formerly Invitae), Labcorp
Classification: Uncertain significance for DICER1-related tumor predisposition. Last evaluated: 2023-12-30. Review status: criteria provided, single submitter. Criteria: Invitae Variant Classification Sherloc (09022015). Collection method: clinical testing. Allele origin: germline.
Comment: This sequence change replaces alanine, which is neutral and non-polar, with valine, which is neutral and non-polar, at codon 1578 of the DICER1 protein (p.Ala1578Val). This variant is not present in population databases (gnomAD no frequency). This variant has not been reported in the literature in individuals affected with DICER1-related conditions. Advanced modeling of protein sequence and biophysical properties (such as structural, functional, and spatial information, amino acid conservation, physicochemical variation, residue mobility, and thermodynamic stability) performed at Invitae indicates that this missense variant is not expected to disrupt DICER1 protein function with a negative predictive value of 80%. In summary, the available evidence is currently insufficient to determine the role of this variant in disease. Therefore, it has been classified as a Variant of Uncertain Significance.

Quest Diagnostics Nichols Institute San Juan Capistrano
Classification: Uncertain significance. Last evaluated: 2023-11-07. Review status: criteria provided, single submitter. Criteria: Quest Diagnostics criteria. Collection method: clinical testing. Allele origin: unknown.
Comment: The DICER1 c.4733C>T (p.Ala1578Val) variant has not been reported in individuals with DICER1-related conditions in the published literature. It also has not been reported in large, multi-ethnic general populations (Genome Aggregation Database). Analysis of this variant using bioinformatics tools for the prediction of the effect of amino acid changes on protein structure and function yielded predictions that this variant is damaging. Based on the available information, we are unable to determine the clinical significance of this variant.

NM_177438.3(DICER1):c.4733C>T (p.Ala1578Val)

Gene: DICER1 (dicer 1, ribonuclease III; minus strand). Cytogenetic location: 14q32.13.
Variant type: single nucleotide variant.
Coding change: c.4733C>T on transcript NM_177438.3 (MANE Select); coding-DNA position 4733, C replaced by T.
Protein change: p.Ala1578Val; replaces alanine 1578 with valine.
Molecular consequence: missense variant. On other transcripts: non-coding transcript variant (6).
Genome position (GRCh38, 1-based): chr14:95,096,187, G>A on the plus strand (C>T on the coding strand, the complement: DICER1 is on the minus strand). VCF-style: chr14-95096187-G-A. GRCh37 (hg19) VCF-style: chr14-95562524-G-A.
Other names: c.4733C>T, p.Ala1578Val (NM_001195573.1, NM_001271282.3, NM_001291628.2 and 13 more transcripts); c.4451C>T, p.Ala1484Val (NM_001395686.1); c.4328C>T, p.Ala1443Val (NM_001395687.1, NM_001395688.1, NM_001395689.1 and 2 more transcripts); c.4166C>T, p.Ala1389Val (NM_001395691.1); c.3050C>T, p.Ala1017Val (NM_001395697.1); short protein forms A1443V, A1484V, A1017V, A1389V, A1578V.
Identifiers: ClinVar variation 2779457 (VCV002779457.5), dbSNP rs2139844612, ClinGen allele CA390867395.